The following is an entry in ClinVar:

ClinVar aggregate classification (germline): Benign/Likely benign. Review status: criteria provided, multiple submitters, no conflicts (2 of 4 stars). 25 submissions from 18 submitters: Benign (18); Likely benign (3). 4 of the submissions do not count toward it. Last evaluated 2026-02-04.

Conditions:
Cardiovascular phenotype. Identifiers: MedGen CN230736.
Dilated cardiomyopathy 1G (CMD1G). Identifiers: Orphanet 154, MedGen C1858763, MONDO:0011400, OMIM 604145.
Autosomal recessive limb-girdle muscular dystrophy type 2J (LGMDR10). Also called: Limb-girdle muscular dystrophy, type 2J; MUSCULAR DYSTROPHY, LIMB-GIRDLE, AUTOSOMAL RECESSIVE 10. Identifiers: Orphanet 140922, MedGen C1837342, MONDO:0012127, OMIM 608807.
Early-onset myopathy with fatal cardiomyopathy (CMYO5). Also called: Salih Myopathy; CONGENITAL MYOPATHY 5 WITH CARDIOMYOPATHY. Identifiers: Orphanet 289377, MedGen C2673677, MONDO:0012714, OMIM 611705. Disease mechanism: loss of function.
Myopathy, myofibrillar, 9, with early respiratory failure (MFM9). Also called: Hereditary myopathy with early respiratory failure; Myopathy, distal, with early respiratory failure, autosomal dominant; EDSTROM MYOPATHY; MYOPATHY, PROXIMAL, WITH EARLY RESPIRATORY MUSCLE INVOLVEMENT. Identifiers: Orphanet 178464, Orphanet 34521, MedGen C1863599, MONDO:0011362, OMIM 603689.
Tibial muscular dystrophy (TMD). Also called: Udd Distal Myopathy – Tibial Muscular Dystrophy; Tibial muscular dystrophy, tardive; UDD MYOPATHY. Identifiers: Orphanet 609, MedGen C1838244, MONDO:0010870, OMIM 600334.

Allele frequency attached by ClinVar (database versions not stated): ESP Exome Variant Server 0.01566; TOPMed 0.01982; gnomAD 0.02072 and 0.02127; gnomAD exomes 0.02380 and 0.02911; 1000 Genomes Project 30x 0.02795; ExAC 0.02916; 1000 Genomes Project 0.02955.
gnomAD v4.1: 37,999 of 1,613,156 alleles (2.4%); highest among the groups gnomAD compares: East Asian, 9.2%; 634 homozygotes.

Submissions (25):

Labcorp Genetics (formerly Invitae), Labcorp
Classification: Benign for Dilated cardiomyopathy 1G; Autosomal recessive limb-girdle muscular dystrophy type 2J. Last evaluated: 2026-02-04. Review status: criteria provided, single submitter. Criteria: Invitae Variant Classification Sherloc (09022015). Collection method: clinical testing. Allele origin: germline.

Molecular Diagnostic Laboratory for Inherited Cardiovascular Disease, Montreal Heart Institute
Classification: Benign. Last evaluated: 2025-04-09. Review status: criteria provided, single submitter. Criteria: ACMG Guidelines, 2015. Collection method: clinical testing. Allele origin: germline. Affected: no.
Comment: BA1

Genome-Nilou Lab
Classification: Benign for Autosomal recessive limb-girdle muscular dystrophy type 2J. Last evaluated: 2021-09-10. Review status: criteria provided, single submitter. Criteria: ACMG Guidelines, 2015. Collection method: clinical testing. Allele origin: germline. Affected: no.

Genome-Nilou Lab
Classification: Benign for Myopathy, myofibrillar, 9, with early respiratory failure. Last evaluated: 2021-09-10. Review status: criteria provided, single submitter. Criteria: ACMG Guidelines, 2015. Collection method: clinical testing. Allele origin: germline. Affected: no.

Genome-Nilou Lab
Classification: Benign for Early-onset myopathy with fatal cardiomyopathy. Last evaluated: 2021-09-10. Review status: criteria provided, single submitter. Criteria: ACMG Guidelines, 2015. Collection method: clinical testing. Allele origin: germline. Affected: no.

Genome-Nilou Lab
Classification: Benign for Tibial muscular dystrophy. Last evaluated: 2021-09-10. Review status: criteria provided, single submitter. Criteria: ACMG Guidelines, 2015. Collection method: clinical testing. Allele origin: germline. Affected: no.

Women's Health and Genetics/Laboratory Corporation of America, LabCorp
Classification: Likely benign. Last evaluated: 2020-01-11. Review status: criteria provided, single submitter. Criteria: LabCorp Variant Classification Summary - May 2015. Collection method: clinical testing. Allele origin: germline.

Athena Diagnostics
Classification: Benign. Last evaluated: 2019-01-16. Review status: criteria provided, single submitter. Criteria: Athena Diagnostics Criteria. Collection method: clinical testing. Allele origin: germline.

Illumina Laboratory Services, Illumina
Classification: Benign for Myopathy, myofibrillar, 9, with early respiratory failure. Last evaluated: 2018-01-13. Review status: criteria provided, single submitter. Criteria: ICSL Variant Classification Criteria 13 December 2019. Collection method: clinical testing. Allele origin: germline.
Comment: This variant was observed in the ICSL laboratory as part of a predisposition screen in an ostensibly healthy population. It had not been previously curated by ICSL or reported in the Human Gene Mutation Database (HGMD: prior to June 1st, 2018), and was therefore a candidate for classification through an automated scoring system. Utilizing variant allele frequency, disease prevalence and penetrance estimates, and inheritance mode, an automated score was calculated to assess if this variant is too frequent to cause the disease. Based on the score and internal cut-off values, a variant classified as benign is not then subjected to further curation. The score for this variant resulted in a classification of benign for this disease.

Illumina Laboratory Services, Illumina
Classification: Benign for Tibial muscular dystrophy. Last evaluated: 2018-01-13. Review status: criteria provided, single submitter. Criteria: ICSL Variant Classification Criteria 13 December 2019. Collection method: clinical testing. Allele origin: germline.
Comment: the same text as in the submission from Illumina Laboratory Services, Illumina above.

Illumina Laboratory Services, Illumina
Classification: Benign for Early-onset myopathy with fatal cardiomyopathy. Last evaluated: 2018-01-13. Review status: criteria provided, single submitter. Criteria: ICSL Variant Classification Criteria 13 December 2019. Collection method: clinical testing. Allele origin: germline.
Comment: the same text as in the submission from Illumina Laboratory Services, Illumina above.

Illumina Laboratory Services, Illumina
Classification: Benign for Autosomal recessive limb-girdle muscular dystrophy type 2J. Last evaluated: 2018-01-13. Review status: criteria provided, single submitter. Criteria: ICSL Variant Classification Criteria 13 December 2019. Collection method: clinical testing. Allele origin: germline.
Comment: the same text as in the submission from Illumina Laboratory Services, Illumina above.

Illumina Laboratory Services, Illumina
Classification: Likely benign for Dilated cardiomyopathy 1G. Last evaluated: 2018-01-13. Review status: criteria provided, single submitter. Criteria: ICSL Variant Classification Criteria 13 December 2019. Collection method: clinical testing. Allele origin: germline.
Comment: This variant was observed in the ICSL laboratory as part of a predisposition screen in an ostensibly healthy population. It had not been previously curated by ICSL or reported in the Human Gene Mutation Database (HGMD: prior to June 1st, 2018), and was therefore a candidate for classification through an automated scoring system. Utilizing variant allele frequency, disease prevalence and penetrance estimates, and inheritance mode, an automated score was calculated to assess if this variant is too frequent to cause the disease. Based on the score and internal cut-off values, a variant classified as likely benign is not then subjected to further curation. The score for this variant resulted in a classification of likely benign for this disease.

Mayo Clinic Laboratories, Mayo Clinic
Classification: Benign. Last evaluated: 2017-10-03. Review status: criteria provided, single submitter. Criteria: ACMG Guidelines, 2015. Collection method: clinical testing. Allele origin: germline. Observed: 96 variant alleles.

Genetic Services Laboratory, University of Chicago
Classification: Benign for AllHighlyPenetrant. Last evaluated: 2013-08-15. Review status: criteria provided, single submitter. Criteria: ACMG Guidelines, 2007. Collection method: clinical testing. Allele origin: germline.

Biesecker Lab/Clinical Genomics Section, National Institutes of Health
Classification: Benign. Last evaluated: 2013-06-24. Review status: criteria provided, single submitter. Criteria: Ng et al. (Circ Cardiovasc Genet. 2013). Collection method: research. Allele origin: unknown. Observed: 41 variant alleles. Study: ClinSeq.
Comment: The study set was not selected for affection status in relation to any cancer. Pathogenicity categories were based on literature curation. See Pubmed ID:23861362 for details.

Medical sequencing

GeneDx
Classification: Benign. Last evaluated: 2013-04-29. Review status: criteria provided, single submitter. Criteria: GeneDx Variant Classification (06012015). Collection method: clinical testing. Allele origin: germline. Affected: yes.
Comment: This variant is considered likely benign or benign based on one or more of the following criteria: it is a conservative change, it occurs at a poorly conserved position in the protein, it is predicted to be benign by multiple in silico algorithms, and/or has population frequency not consistent with disease.

Ambry Genetics
Classification: Benign for Cardiovascular phenotype. Last evaluated: 2013-02-04. Review status: criteria provided, single submitter. Criteria: Ambry Autosomal Dominant and X-Linked criteria (10/2015). Collection method: clinical testing. Allele origin: germline. Observed: 1 variant allele.

Laboratory for Molecular Medicine, Mass General Brigham Personalized Medicine
Classification: Benign. Last evaluated: 2012-04-26. Review status: criteria provided, single submitter. Criteria: LMM Criteria. Collection method: clinical testing. Allele origin: germline. Observed: 66 variant alleles.
Comment: Lys15140Ile in Exon 226 of TTN: This variant is not expected to have clinical si gnificance because it has been identified in 2.2% (147/6670) of European America n chromosomes from a broad population by the NHLBI Exome Sequencing Project (rs2303832).

Breakthrough Genomics
Classification: Likely benign. Review status: criteria provided, single submitter. Criteria: ACMG Guidelines, 2015. Collection method: not provided. Allele origin: germline. Inheritance: Autosomal recessive inheritance. Affected: yes.

PreventionGenetics, part of Exact Sciences
Classification: Benign. Review status: criteria provided, single submitter. Criteria: ACMG Guidelines, 2015. Collection method: clinical testing. Allele origin: germline.

Clinical Genetics DNA and cytogenetics Diagnostics Lab, Erasmus MC, Erasmus Medical Center
Classification: Benign. Review status: no assertion criteria provided. Collection method: clinical testing. Allele origin: germline. Affected: yes. Study: VKGL Data-share Consensus. Not counted in ClinVar's aggregate classification.

Clinical Genetics, Academic Medical Center
Classification: Benign. Review status: no assertion criteria provided. Collection method: clinical testing. Allele origin: germline. Affected: yes. Study: VKGL Data-share Consensus. Not counted in ClinVar's aggregate classification.

Genome Diagnostics Laboratory, University Medical Center Utrecht
Classification: Benign. Review status: no assertion criteria provided. Collection method: clinical testing. Allele origin: germline. Affected: yes. Study: VKGL Data-share Consensus. Not counted in ClinVar's aggregate classification.

Laboratory of Diagnostic Genome Analysis, Leiden University Medical Center (LUMC)
Classification: Benign. Review status: no assertion criteria provided. Collection method: clinical testing. Allele origin: germline. Affected: yes. Study: VKGL Data-share Consensus. Not counted in ClinVar's aggregate classification.

NM_001267550.2(TTN):c.53123A>T (p.Lys17708Ile)

Genes: TTN (titin; minus strand), TTN-AS1 (TTN antisense RNA 1; plus strand), LOC126806425 (BRD4-independent group 4 enhancer GRCh37_chr2:179471933-179473132; plus strand). Cytogenetic location: 2q31.2.
Variant type: single nucleotide variant.
Coding change: c.53123A>T on transcript NM_001267550.2 (MANE Select); coding-DNA position 53123, A replaced by T.
Protein change: p.Lys17708Ile; replaces lysine 17708 with isoleucine.
Molecular consequence: missense variant.
Genome position (GRCh38, 1-based): chr2:178,607,565, T>A on the plus strand (A>T on the coding strand, the complement: TTN is on the minus strand). VCF-style: chr2-178607565-T-A. GRCh37 (hg19) VCF-style: chr2-179472292-T-A.
Other names: p.K15140I:AAA>ATA; c.48200A>T, p.Lys16067Ile (NM_001256850.1); c.45419A>T, p.Lys15140Ile (NM_133378.4); c.26303A>T, p.Lys8768Ile (NM_133432.3); c.25928A>T, p.Lys8643Ile (NM_003319.4); c.26504A>T, p.Lys8835Ile (NM_133437.4); short protein forms K17708I, K15140I, K16067I, K8768I, K8835I, K8643I.
Identifiers: ClinVar variation 47072 (VCV000047072.37), dbSNP rs2303832, ClinGen allele CA283419.
Genomic context (GRCh38, chr2:178,607,565, plus strand): 5'-TCAGATTTGGTTCCAACGTTGTCTATTACAACACGGTCTTTATCCAGCTCCCCTTCTTCT[T>A]TGGTCCATACTTTTGTAGGTACAGGGCGACCAGTCACCACAGCTGGAATTCTAAGAGTCT-3'
Protein context (NP_001254479.2, residues 17698-17718): GRPVPTKVWT[Lys17708Ile]EEGELDKDRV